The following is an entry in ClinVar:

NM_000059.4(BRCA2):c.2517_2521del (p.Tyr839_Arg841delinsTer)

Gene: BRCA2 (BRCA2 DNA repair associated; plus strand). Cytogenetic location: 13q13.1.
Variant type: Deletion.
Coding change: c.2517_2521del on transcript NM_000059.4 (MANE Select); coding-DNA positions 2517 to 2521, 5 bases deleted (CATGA; older notation c.2517_2521delCATGA).
Protein change: p.Tyr839_Arg841delinsTer.
Molecular consequence: nonsense. On other transcripts: non-coding transcript variant (1), intron variant (2).
Genome position (GRCh38, 1-based): chr13:32,336,872-32,336,876, CATGA deleted; deleting any 5 consecutive bases within chr13:32,336,871-32,336,876 gives the same sequence; the c. name uses the placement nearest the transcript's 3' end. VCF-style (leftmost placement, unchanged base first): chr13-32336870-TACATG-T. GRCh37 (hg19) VCF-style: chr13-32911007-TACATG-T.
Other names: c.2517_2521del, p.Tyr839_Arg841delinsTer (NM_001406719.1, NM_001406720.1); c.1909+3485_1909+3489del (NM_001406721.1); c.424+5842_424+5846del (NM_001406722.1).
Identifiers: ClinVar variation 2821644 (VCV002821644.4), dbSNP rs2548524181, ClinGen allele CA2739277501.

ClinVar aggregate classification (germline): Pathogenic. Review status: criteria provided, multiple submitters, no conflicts (2 of 4 stars). 2 submissions from 2 submitters: Pathogenic (2). Last evaluated 2024-09-13.

Conditions:
Hereditary cancer-predisposing syndrome. Also called: Neoplastic Syndromes, Hereditary; Hereditary neoplastic syndrome; Tumor predisposition; Hereditary Cancer Syndrome. Identifiers: Orphanet 140162, MedGen C0027672, MeSH D009386, MONDO:0015356.
Hereditary breast ovarian cancer syndrome. Also called: Hereditary breast and/or ovarian cancer syndrome; Hereditary breast and ovarian cancer; Hereditary breast and ovarian cancer syndrome; Breast and ovarian cancer; Hereditary breast and ovarian cancer syndrome (HBOC); BRCA1- and BRCA2-Associated Hereditary Breast and Ovarian Cancer. Identifiers: Orphanet 145, MedGen C0677776, MeSH D061325, MONDO:0003582. Disease mechanism: loss of function.

Submissions (2):

Ambry Genetics
Classification: Pathogenic for Hereditary cancer-predisposing syndrome. Last evaluated: 2024-09-13. Review status: criteria provided, single submitter. Criteria: Ambry Variant Classification Scheme 2023. Collection method: clinical testing. Allele origin: germline.
Comment: The c.2517_2521delCATGA pathogenic mutation, located in coding exon 10 of the BRCA2 gene, results from a deletion of 5 nucleotides at nucleotide positions 2517 to 2521, causing a translational frameshift with a predicted alternate stop codon (p.Y839*). This variant is considered to be rare based on population cohorts in the Genome Aggregation Database (gnomAD). This alteration is expected to result in loss of function by premature protein truncation or nonsense-mediated mRNA decay. As such, this alteration is interpreted as a disease-causing mutation.

Labcorp Genetics (formerly Invitae), Labcorp
Classification: Pathogenic for Hereditary breast ovarian cancer syndrome. Last evaluated: 2022-12-17. Review status: criteria provided, single submitter. Criteria: Invitae Variant Classification Sherloc (09022015). Collection method: clinical testing. Allele origin: germline.
Comment: For these reasons, this variant has been classified as Pathogenic. This variant has not been reported in the literature in individuals affected with BRCA2-related conditions. This variant is not present in population databases (gnomAD no frequency). This sequence change creates a premature translational stop signal (p.Tyr839*) in the BRCA2 gene. It is expected to result in an absent or disrupted protein product. Loss-of-function variants in BRCA2 are known to be pathogenic (PMID: 20104584).

Literature cited by the submitters: PubMed 20104584 (cited by Labcorp Genetics (formerly Invitae), Labcorp).